The following is an entry in ClinVar:

NM_001903.5(CTNNA1):c.947C>T (p.Ala316Val)

Gene: CTNNA1 (catenin alpha 1; plus strand). Cytogenetic location: 5q31.2.
Variant type: single nucleotide variant.
Coding change: c.947C>T on transcript NM_001903.5 (MANE Select); coding-DNA position 947, C replaced by T.
Protein change: p.Ala316Val; replaces alanine 316 with valine.
Molecular consequence: missense variant.
Genome position (GRCh38, 1-based): chr5:138,827,603, C>T. VCF-style: chr5-138827603-C-T. GRCh37 (hg19) VCF-style: chr5-138163292-C-T.
Other names: c.947C>T, p.Ala316Val (NM_001290307.3, NM_001323982.2, NM_001323983.1 and 3 more transcripts); c.638C>T, p.Ala213Val (NM_001290309.3); c.578C>T, p.Ala193Val (NM_001290310.3); c.947C>T (NM_001903.2); short protein forms A193V, A316V, A213V.
Identifiers: ClinVar variation 646113 (VCV000646113.8), dbSNP rs1161812904, ClinGen allele CA361130939.
Genomic context (GRCh38, chr5:138,827,603, plus strand): 5'-TCAGCGAGGAGCGCTTTAGGCCTTCCCTGGAGGAGCGTCTGGAAAGCATCATTAGTGGGG[C>T]TGCCTTGATGGCCGACTCGTCCTGCACGCGTGATGACCGTCGTGAGCGAATTGTGGCAGA-3'
Protein context (NP_001894.2, residues 306-326): EERLESIISG[Ala316Val]ALMADSSCTR

ClinVar aggregate classification (germline): Uncertain significance. Review status: criteria provided, multiple submitters, no conflicts (2 of 4 stars). 2 submissions from 2 submitters: Uncertain significance (2). Last evaluated 2024-06-03.

Conditions:
Hereditary cancer-predisposing syndrome. Also called: Hereditary Cancer Syndrome; Tumor predisposition; Hereditary neoplastic syndrome; Neoplastic Syndromes, Hereditary. Identifiers: Orphanet 140162, MedGen C0027672, MeSH D009386, MONDO:0015356.

Allele frequency attached by ClinVar (database versions not stated): gnomAD exomes below 0.00001.
gnomAD v4.1: 2 of 1,614,218 alleles (0.00012%); highest among the groups gnomAD compares: Non-Finnish European, 0.00017%; no homozygotes.

Submissions (2):

Labcorp Genetics (formerly Invitae), Labcorp
Classification: Uncertain significance. Last evaluated: 2024-06-03. Review status: criteria provided, single submitter. Criteria: Invitae Variant Classification Sherloc (09022015). Collection method: clinical testing. Allele origin: germline.
Comment: This sequence change replaces alanine, which is neutral and non-polar, with valine, which is neutral and non-polar, at codon 316 of the CTNNA1 protein (p.Ala316Val). This variant is present in population databases (no rsID available, gnomAD 0.0009%). This variant has not been reported in the literature in individuals affected with CTNNA1-related conditions. ClinVar contains an entry for this variant (Variation ID: 646113). Advanced modeling of protein sequence and biophysical properties (such as structural, functional, and spatial information, amino acid conservation, physicochemical variation, residue mobility, and thermodynamic stability) performed at Invitae indicates that this missense variant is not expected to disrupt CTNNA1 protein function with a negative predictive value of 80%. In summary, the available evidence is currently insufficient to determine the role of this variant in disease. Therefore, it has been classified as a Variant of Uncertain Significance.

Ambry Genetics
Classification: Uncertain significance for Hereditary cancer-predisposing syndrome. Last evaluated: 2024-01-25. Review status: criteria provided, single submitter. Criteria: Ambry Variant Classification Scheme 2023. Collection method: clinical testing. Allele origin: germline.
Comment: The p.A316V variant (also known as c.947C>T), located in coding exon 6 of the CTNNA1 gene, results from a C to T substitution at nucleotide position 947. The alanine at codon 316 is replaced by valine, an amino acid with similar properties. This amino acid position is highly conserved in available vertebrate species. In addition, the in silico prediction for this alteration is inconclusive. The evidence for this gene-disease relationship is limited; therefore, the clinical significance of this alteration is unclear.